The following is an entry in ClinVar:

ClinVar aggregate classification (germline): Uncertain significance (1 of 4 stars; one submission).

Submission:

GeneDx
Classification: Uncertain significance. Last evaluated: 2026-04-24. Review status: criteria provided, single submitter. Criteria: GeneDx Variant Classification Process June 2021. Collection method: clinical testing. Allele origin: germline.
Comment: Not observed at significant frequency in large population cohorts (gnomAD); In silico analysis suggests that this missense variant does not alter protein structure/function; Has not been previously published as pathogenic or benign to our knowledge

NM_001378120.1(MBD5):c.1435C>T (p.Pro479Ser)

Gene: MBD5 (methyl-CpG binding domain protein 5; plus strand). Cytogenetic location: 2q23.1.
Variant type: single nucleotide variant.
Coding change: c.1435C>T on transcript NM_001378120.1 (MANE Select); coding-DNA position 1435, C replaced by T.
Protein change: p.Pro479Ser; replaces proline 479 with serine.
Molecular consequence: missense variant.
Genome position (GRCh38, 1-based): chr2:148,469,378, C>T. VCF-style: chr2-148469378-C-T. GRCh37 (hg19) VCF-style: chr2-149226947-C-T.
Other names: c.1435C>T, p.Pro479Ser (NM_001438854.1, NM_001438855.1, NM_001438856.1 and 7 more transcripts); short protein forms P479S.
Identifiers: ClinVar variation 5037487 (VCV005037487.1).